The following is an entry in ClinVar:

ClinVar aggregate classification (germline): Conflicting classifications of pathogenicity. Review status: criteria provided, conflicting classifications (1 of 4 stars). 3 submissions from 3 submitters: Pathogenic (1); Uncertain significance (2). Last evaluated 2026-09-25.

Conditions:
Hypertrophic cardiomyopathy 14. Identifiers: MedGen C2750467, MONDO:0013197, OMIM 613251.
MYH6-related disorder. Also called: MYH6-Related Disorders; MYH6-related condition.

Allele frequency attached by ClinVar (database versions not stated): gnomAD 0.00001; TOPMed 0.00001.
gnomAD v4.1: 1 of 1,613,850 alleles (0.000062%); highest among the groups gnomAD compares: African/African-American, 0.0013%; no homozygotes.

Submissions (3):

PreventionGenetics, part of Exact Sciences
Classification: Uncertain significance for MYH6-related condition. Last evaluated: 2026-09-25. Review status: criteria provided, single submitter. Criteria: ACMG Guidelines, 2015. Collection method: clinical testing. Allele origin: germline.
Comment: The MYH6 c.5797-1G>A variant is predicted to disrupt the AG splice acceptor site and interfere with normal splicing. This variant has been reported in the homozygous state in two individuals from a single family with hypoplastic left heart syndrome (Daire et al. 2026. PubMed ID: 41165794). This variant is reported in 0.0062% of alleles in individuals of African descent in gnomAD. Loss of function has not been established as a mechanism for MYH6-related disorders. At this time, the clinical significance of this variant is uncertain due to the absence of conclusive functional and genetic evidence.

Labcorp Genetics (formerly Invitae), Labcorp
Classification: Uncertain significance for Hypertrophic cardiomyopathy 14. Last evaluated: 2023-03-15. Review status: criteria provided, single submitter. Criteria: Invitae Variant Classification Sherloc (09022015). Collection method: clinical testing. Allele origin: germline.
Comment: This sequence change falls in intron 38 of the MYH6 gene. It does not directly change the encoded amino acid sequence of the MYH6 protein. It affects a nucleotide within the consensus splice site. This variant is present in population databases (no rsID available, gnomAD 0.007%). In summary, the available evidence is currently insufficient to determine the role of this variant in disease. Therefore, it has been classified as a Variant of Uncertain Significance. Variants that disrupt the consensus splice site are a relatively common cause of aberrant splicing (PMID: 17576681, 9536098). Algorithms developed to predict the effect of sequence changes on RNA splicing suggest that this variant may disrupt the consensus splice site. This variant has not been reported in the literature in individuals affected with MYH6-related conditions. ClinVar contains an entry for this variant (Variation ID: 992854).

Laboratoire de Génétique Moléculaire, CHU Bordeaux
Classification: Pathogenic. Review status: criteria provided, single submitter. Criteria: ACMG Guidelines, 2015. Collection method: clinical testing. Allele origin: germline. Affected: yes.

Literature cited by the submitters: PubMed 17576681 (cited by Labcorp Genetics (formerly Invitae), Labcorp); PubMed 9536098 (cited by Labcorp Genetics (formerly Invitae), Labcorp).

NM_002471.4(MYH6):c.5797-1G>A

Gene: MYH6 (myosin heavy chain 6; minus strand). Cytogenetic location: 14q11.2.
Variant type: single nucleotide variant.
Coding change: c.5797-1G>A on transcript NM_002471.4 (MANE Select); the canonical splice acceptor site of the intron before coding-DNA position 5797, G replaced by A.
Molecular consequence: splice acceptor variant.
Genome position (GRCh38, 1-based): chr14:23,382,064, C>T on the plus strand (G>A on the coding strand, the complement: MYH6 is on the minus strand). VCF-style: chr14-23382064-C-T. GRCh37 (hg19) VCF-style: chr14-23851273-C-T.
Identifiers: ClinVar variation 992854 (VCV000992854.5), dbSNP rs1484679078, ClinGen allele CA388981000.